The following is an entry in ClinVar:

NM_005045.4(RELN):c.4441A>G (p.Lys1481Glu)

Gene: RELN (reelin; minus strand). Cytogenetic location: 7q22.1.
Variant type: single nucleotide variant.
Coding change: c.4441A>G on transcript NM_005045.4 (MANE Select); coding-DNA position 4441, A replaced by G.
Protein change: p.Lys1481Glu; replaces lysine 1481 with glutamic acid.
Molecular consequence: missense variant.
Genome position (GRCh38, 1-based): chr7:103,574,162, T>C on the plus strand (A>G on the coding strand, the complement: RELN is on the minus strand). VCF-style: chr7-103574162-T-C. GRCh37 (hg19) VCF-style: chr7-103214609-T-C.
Other names: c.4441A>G, p.Lys1481Glu (NM_173054.3); short protein forms K1481E.
Identifiers: ClinVar variation 542575 (VCV000542575.11), dbSNP rs896069835, ClinGen allele CA163919831.

ClinVar aggregate classification (germline): Conflicting classifications of pathogenicity. Review status: criteria provided, conflicting classifications (1 of 4 stars). 2 submissions from 2 submitters: Uncertain significance (1); Likely benign (1). Last evaluated 2025-04-21.

Conditions:
Inborn genetic diseases. Identifiers: MedGen C0950123, MeSH D030342.
Familial temporal lobe epilepsy 7. Identifiers: Orphanet 101046, MedGen C4225327, MONDO:0014639, OMIM 616436.
Norman-Roberts syndrome (LIS2). Also called: Lissencephaly 2 (Norman-Roberts type). Identifiers: Orphanet 89844, MedGen C0796089, MONDO:0009760, OMIM 257320.

Allele frequency attached by ClinVar (database versions not stated): gnomAD exomes below 0.00001 and 0.00002; gnomAD 0.00001; TOPMed 0.00001.
gnomAD v4.1: 8 of 1,614,086 alleles (0.0005%); highest among the groups gnomAD compares: Admixed American, 0.01%; no homozygotes.

Submissions (2):

Labcorp Genetics (formerly Invitae), Labcorp
Classification: Likely benign for Familial temporal lobe epilepsy 7; Norman-Roberts syndrome. Last evaluated: 2025-04-21. Review status: criteria provided, single submitter. Criteria: Invitae Variant Classification Sherloc (09022015). Collection method: clinical testing. Allele origin: germline.

Ambry Genetics
Classification: Uncertain significance for Inborn genetic diseases. Last evaluated: 2021-05-19. Review status: criteria provided, single submitter. Criteria: Ambry Variant Classification Scheme 2023. Collection method: clinical testing. Allele origin: germline.